The following is an entry in ClinVar:

NM_032861.4(SERAC1):c.128+7C>T

Gene: SERAC1 (serine active site containing 1; minus strand). Cytogenetic location: 6q25.3.
Variant type: single nucleotide variant.
Coding change: c.128+7C>T on transcript NM_032861.4 (MANE Select); 7 bases into the intron after coding-DNA position 128, C replaced by T.
Molecular consequence: intron variant.
Genome position (GRCh38, 1-based): chr6:158,155,308, G>A on the plus strand (C>T on the coding strand, the complement: SERAC1 is on the minus strand). VCF-style: chr6-158155308-G-A. GRCh37 (hg19) VCF-style: chr6-158576340-G-A.
Other names: c.128+7C>T (NM_032861.3).
Identifiers: ClinVar variation 2201650 (VCV002201650.6), dbSNP rs534122082, ClinGen allele CA4071456.

ClinVar aggregate classification (germline): Likely benign. Review status: criteria provided, single submitter (1 of 4 stars). 2 submissions from 2 submitters: Likely benign (1). 1 of the submissions does not count toward it. Last evaluated 2024-07-02.

Conditions:
SERAC1-related disorder. Also called: SERAC1-related condition; SERAC1-related disorders.
3-methylglutaconic aciduria with deafness, encephalopathy, and Leigh-like syndrome (MEGDEL). Also called: MEGDEL syndrome; 3-METHYLGLUTACONIC ACIDURIA, TYPE VI; SERAC1 Deficiency. Identifiers: Orphanet 352328, MedGen C4040739, MONDO:0013875, OMIM 614739.

Allele frequency attached by ClinVar (database versions not stated): ExAC 0.00003; gnomAD 0.00006; TOPMed 0.00011; 1000 Genomes Project 30x 0.00016; 1000 Genomes Project 0.00020.
gnomAD v4.1: 44 of 1,539,154 alleles (0.0029%); highest among the groups gnomAD compares: African/African-American, 0.012%; no homozygotes.

Submissions (2):

Labcorp Genetics (formerly Invitae), Labcorp
Classification: Likely benign for 3-methylglutaconic aciduria with deafness, encephalopathy, and Leigh-like syndrome. Last evaluated: 2024-07-02. Review status: criteria provided, single submitter. Criteria: Invitae Variant Classification Sherloc (09022015). Collection method: clinical testing. Allele origin: germline.

PreventionGenetics, part of Exact Sciences
Classification: Likely benign for SERAC1-related condition. Last evaluated: 2020-05-22. Review status: no assertion criteria provided. Collection method: clinical testing. Allele origin: germline. Not counted in ClinVar's aggregate classification.
Comment: This variant is classified as likely benign based on ACMG/AMP sequence variant interpretation guidelines (Richards et al. 2015 PMID: 25741868, with internal and published modifications).